The following is an entry in ClinVar:

NM_001371986.1(UNC80):c.9010A>G (p.Met3004Val)

Gene: UNC80 (unc-80 homolog, NALCN channel complex subunit; plus strand). Cytogenetic location: 2q34.
Variant type: single nucleotide variant.
Coding change: c.9010A>G on transcript NM_001371986.1 (MANE Select); coding-DNA position 9010, A replaced by G.
Protein change: p.Met3004Val; replaces methionine 3004 with valine.
Molecular consequence: missense variant.
Genome position (GRCh38, 1-based): chr2:209,978,600, A>G. VCF-style: chr2-209978600-A-G. GRCh37 (hg19) VCF-style: chr2-210843324-A-G.
Other names: c.8812A>G, p.Met2938Val (NM_032504.2); c.8797A>G, p.Met2933Val (NM_182587.4); short protein forms M2933V, M2938V, M3004V.
Identifiers: ClinVar variation 2158502 (VCV002158502.1), dbSNP rs1165765489, ClinGen allele CA350414526.

ClinVar aggregate classification (germline): Uncertain significance (1 of 4 stars; one submission).

Allele frequency attached by ClinVar (database versions not stated): gnomAD exomes below 0.00001; gnomAD 0.00002; TOPMed 0.00002.
gnomAD v4.1: 5 of 1,551,418 alleles (0.00032%); highest among the groups gnomAD compares: Non-Finnish European, 0.00044%; no homozygotes.

Submission:

Labcorp Genetics (formerly Invitae), Labcorp
Classification: Uncertain significance. Last evaluated: 2022-08-04. Review status: criteria provided, single submitter. Criteria: Invitae Variant Classification Sherloc (09022015). Collection method: clinical testing. Allele origin: germline.
Comment: This sequence change replaces methionine, which is neutral and non-polar, with valine, which is neutral and non-polar, at codon 2938 of the UNC80 protein (p.Met2938Val). This variant is not present in population databases (gnomAD no frequency). This variant has not been reported in the literature in individuals affected with UNC80-related conditions. Algorithms developed to predict the effect of missense changes on protein structure and function are either unavailable or do not agree on the potential impact of this missense change (SIFT: "Not Available"; PolyPhen-2: "Possibly Damaging"; Align-GVGD: "Not Available"). In summary, the available evidence is currently insufficient to determine the role of this variant in disease. Therefore, it has been classified as a Variant of Uncertain Significance.